The following is an entry in ClinVar:

NM_000448.3(RAG1):c.2981A>G (p.His994Arg)

Gene: RAG1 (recombination activating 1; plus strand). Cytogenetic location: 11p12.
Variant type: single nucleotide variant.
Coding change: c.2981A>G on transcript NM_000448.3 (MANE Select); coding-DNA position 2981, A replaced by G.
Protein change: p.His994Arg; replaces histidine 994 with arginine.
Molecular consequence: missense variant.
Genome position (GRCh38, 1-based): chr11:36,576,285, A>G. VCF-style: chr11-36576285-A-G. GRCh37 (hg19) VCF-style: chr11-36597835-A-G.
Other names: c.2981A>G, p.His994Arg (NM_001377277.1, NM_001377278.1, NM_001377279.1 and 1 more transcripts); short protein forms H994R.
Identifiers: ClinVar variation 372489 (VCV000372489.9), dbSNP rs775412266, ClinGen allele CA5950346.

ClinVar aggregate classification (germline): Conflicting classifications of pathogenicity. Review status: criteria provided, conflicting classifications (1 of 4 stars). 4 submissions from 4 submitters: Pathogenic (1); Likely pathogenic (2); Uncertain significance (1). Last evaluated 2025-09-18.

Conditions:
Severe combined immunodeficiency, autosomal recessive, T cell-negative, B cell-negative, NK cell-positive. Also called: SCID, AR, T-cell negative, B-cell negative, NK cell-positive; Severe combined immunodeficiency due to complete RAG1/2 deficiency; SCID, T CELL-NEGATIVE, B CELL-NEGATIVE, NK CELL-POSITIVE. Identifiers: Orphanet 331206, MedGen C1832322, MONDO:0011086, OMIM 601457.
Combined immunodeficiency with skin granulomas. Identifiers: Orphanet 157949, MedGen C2673536, MONDO:0009306, OMIM 233650.
Histiocytic medullary reticulosis. Also called: SEVERE COMBINED IMMUNODEFICIENCY WITH HYPEREOSINOPHILIA; Omenn syndrome. Identifiers: Orphanet 39041, MedGen C2700553, MONDO:0011338, OMIM 603554.
Combined immunodeficiency due to partial RAG1 deficiency. Identifiers: Orphanet 231154, MedGen C1835931, MONDO:0012359, OMIM 609889.

Allele frequency attached by ClinVar (database versions not stated): ExAC 0.00001; gnomAD 0.00001; gnomAD exomes 0.00001; TOPMed 0.00001.
gnomAD v4.1: 10 of 1,613,932 alleles (0.00062%); highest among the groups gnomAD compares: Non-Finnish European, 0.00085%; no homozygotes.

Submissions (4):

Women's Health and Genetics/Laboratory Corporation of America, LabCorp
Classification: Uncertain significance. Last evaluated: 2025-09-18. Review status: criteria provided, single submitter. Criteria: LabCorp Variant Classification Summary - May 2015. Collection method: clinical testing. Allele origin: germline.
Comment: Variant summary: RAG1 c.2981A>G (p.His994Arg) results in a non-conservative amino acid change in the encoded protein sequence. Algorithms developed to predict the effect of missense changes on protein structure and function all suggest that this variant is likely to be disruptive. The variant allele was found at a frequency of 8e-06 in 250180 control chromosomes. The available data on variant occurrences in the general population are insufficient to allow any conclusion about variant significance. c.2981A>G has been observed in trans with a pathogenic variant in at least 1 individual affected with Severe Combined Immunodeficiency (internal data), as well as in the presumed compound heterozygous state in 1 individual with severe multisystemic vasculitis (Geier_2020). These data do not allow any conclusion about variant significance. To our knowledge, no experimental evidence demonstrating an impact on protein function has been reported. The following publications have been ascertained in the context of this evaluation (PMID: 38240953, 30877075, 35902638, 33193364, 37475856, 39720732). ClinVar contains an entry for this variant (Variation ID: 372489). Based on the evidence outlined above, the variant was classified as uncertain significance.

Fulgent Genetics
Classification: Likely pathogenic for Combined immunodeficiency with skin granulomas; Severe combined immunodeficiency, autosomal recessive, T cell-negative, B cell-negative, NK cell-positive; Histiocytic medullary reticulosis; Combined immunodeficiency due to partial RAG1 deficiency. Last evaluated: 2024-02-08. Review status: criteria provided, single submitter. Criteria: ACMG Guidelines, 2015. Collection method: clinical testing. Allele origin: germline.

Labcorp Genetics (formerly Invitae), Labcorp
Classification: Pathogenic for Combined immunodeficiency with skin granulomas; Severe combined immunodeficiency, autosomal recessive, T cell-negative, B cell-negative, NK cell-positive. Last evaluated: 2023-06-20. Review status: criteria provided, single submitter. Criteria: Invitae Variant Classification Sherloc (09022015). Collection method: clinical testing. Allele origin: germline.
Comment: For these reasons, this variant has been classified as Pathogenic. Advanced modeling of protein sequence and biophysical properties (such as structural, functional, and spatial information, amino acid conservation, physicochemical variation, residue mobility, and thermodynamic stability) performed at Invitae indicates that this missense variant is expected to disrupt RAG1 protein function. ClinVar contains an entry for this variant (Variation ID: 372489). This missense change has been observed in individual(s) with clinical features of RAG1-related conditions (PMID: 33193364; Invitae). In at least one individual the data is consistent with being in trans (on the opposite chromosome) from a pathogenic variant. This variant is present in population databases (rs775412266, gnomAD 0.002%). This sequence change replaces histidine, which is basic and polar, with arginine, which is basic and polar, at codon 994 of the RAG1 protein (p.His994Arg).

GeneDx
Classification: Likely pathogenic. Last evaluated: 2016-05-18. Review status: criteria provided, single submitter. Criteria: GeneDx Variant Classification (06012015). Collection method: clinical testing. Allele origin: germline. Affected: yes.
Comment: The H994Rvariant in the RAG1 gene has not been published as a pathogenic variant, nor has it been reported as a benignpolymorphism to our knowledge. The H994R variant was not observed in approximately 6,500 individualsof European and African American ancestry in the NHLBI Exome Sequencing Project, indicating it is nota common benign variant in these populations. The H994R variant is a conservative amino acidsubstitution, which occurs at a position that is well conserved across species. In silico analysis predicts thisvariant is probably damaging to the protein structure/function. Missense variants in a nearby residue(K992E and K992R) have been reported in the Human Gene Mutation Database in association withOmenn syndrome (Stenson et al., 2014), supporting the functional importance of this region of the protein.The H994R variant is a good candidate for a pathogenic variant, however the possibility it may be arare benign variant cannot be excluded.

Literature cited by the submitters: PubMed 30877075 (cited by Women's Health and Genetics/Laboratory Corporation of America, LabCorp); PubMed 35902638 (cited by Women's Health and Genetics/Laboratory Corporation of America, LabCorp); PubMed 38240953 (cited by Women's Health and Genetics/Laboratory Corporation of America, LabCorp); PubMed 37475856 (cited by Women's Health and Genetics/Laboratory Corporation of America, LabCorp); PubMed 39720732 (cited by Women's Health and Genetics/Laboratory Corporation of America, LabCorp); PubMed 33193364 (cited by Women's Health and Genetics/Laboratory Corporation of America, LabCorp and Labcorp Genetics (formerly Invitae), Labcorp).